The following is an entry in ClinVar:

ClinVar aggregate classification (germline): Likely benign. Review status: criteria provided, single submitter (1 of 4 stars). 2 submissions from 2 submitters: Likely benign (1). 1 of the submissions does not count toward it. Last evaluated 2023-08-17.

Conditions:
LETM1-related disorder. Also called: LETM1-related condition.

Allele frequency attached by ClinVar (database versions not stated): gnomAD exomes 0.00001 and 0.00002; ExAC 0.00002; TOPMed 0.00003; gnomAD 0.00004.

Submissions (3):

Labcorp Genetics (formerly Invitae), Labcorp
Classification: Likely benign. Last evaluated: 2023-08-17. Review status: criteria provided, single submitter. Criteria: Invitae Variant Classification Sherloc (09022015). Collection method: clinical testing. Allele origin: germline.

PreventionGenetics, part of Exact Sciences
Classification: Likely benign for LETM1-related condition. Last evaluated: 2020-08-17. Review status: no assertion criteria provided. Collection method: clinical testing. Allele origin: germline. Not counted in ClinVar's aggregate classification.
Comment: This variant is classified as likely benign based on ACMG/AMP sequence variant interpretation guidelines (Richards et al. 2015 PMID: 25741868, with internal and published modifications).

Dr. Peter K. Rogan Lab, Western University
No classification provided (evidence only). Condition: Thyroid cancer, nonmedullary, 1. Review status: no classification provided. Collection method: in vitro. Allele origin: not applicable. Functional consequence: retained intron. Not counted in ClinVar's aggregate classification.

NM_012318.3(LETM1):c.1740C>T (p.Ser580=)

Gene: LETM1 (leucine zipper and EF-hand containing transmembrane protein 1; minus strand). Cytogenetic location: 4p16.3.
Variant type: single nucleotide variant.
Coding change: c.1740C>T on transcript NM_012318.3 (MANE Select); coding-DNA position 1740, C replaced by T.
Protein change: p.Ser580=; no amino-acid change (serine 580 retained).
Molecular consequence: synonymous variant.
Genome position (GRCh38, 1-based): chr4:1,819,341, G>A on the plus strand (C>T on the coding strand, the complement: LETM1 is on the minus strand). VCF-style: chr4-1819341-G-A. GRCh37 (hg19) VCF-style: chr4-1821068-G-A.
Other names: c.1740C>T (NM_012318.2).
Identifiers: ClinVar variation 1517953 (VCV001517953.9), dbSNP rs779132484, ClinGen allele CA2811182.
Genomic context (GRCh38, chr4:1,819,341, plus strand): 5'-GTACAGCGATTTTACTCTTCTTGCAGTCTCAGAGTCCAGGGAGCAAATCCCACCCACCTC[G>A]CTGTAGTCCTGCACATCCTCCTTCAGCAGCTCCAGCTCCTCCTTCTCCTTGGTGAGTGAC-3'
Protein context (NP_036450.1, residues 570-590): ELLKEDVQDY[Ser580=]EDLQEIKKEL